The following is an entry in ClinVar:

NM_001005273.3(CHD3):c.3283T>G (p.Phe1095Val)

Gene: CHD3 (chromodomain helicase DNA binding protein 3; plus strand). Cytogenetic location: 17p13.1.
Variant type: single nucleotide variant.
Coding change: c.3283T>G on transcript NM_001005273.3 (MANE Select); coding-DNA position 3283, T replaced by G.
Protein change: p.Phe1095Val; replaces phenylalanine 1095 with valine.
Molecular consequence: missense variant.
Genome position (GRCh38, 1-based): chr17:7,902,640, T>G. VCF-style: chr17-7902640-T-G. GRCh37 (hg19) VCF-style: chr17-7805958-T-G.
Other names: c.3460T>G, p.Phe1154Val (NM_001005271.3); c.3283T>G, p.Phe1095Val (NM_005852.4); short protein forms F1095V, F1154V.
Identifiers: ClinVar variation 3907827 (VCV003907827.1).

ClinVar aggregate classification (germline): Uncertain significance (1 of 4 stars; one submission).

Submission:

GeneDx
Classification: Uncertain significance. Last evaluated: 2024-12-26. Review status: criteria provided, single submitter. Criteria: GeneDx Variant Classification Process June 2021. Collection method: clinical testing. Allele origin: germline. Affected: yes.
Comment: Not observed at significant frequency in large population cohorts (gnomAD); In silico analysis supports that this missense variant has a deleterious effect on protein structure/function; Has not been previously published as pathogenic or benign to our knowledge